The following is an entry in ClinVar:

ClinVar aggregate classification (germline): Uncertain significance. Review status: criteria provided, multiple submitters, no conflicts (2 of 4 stars). 2 submissions from 2 submitters: Uncertain significance (2). Last evaluated 2025-03-28.

Conditions:
Immunodeficiency. Identifiers: MedGen C0021051, MONDO:0021094, HP:0002721.

Allele frequency attached by ClinVar (database versions not stated): gnomAD exomes below 0.00001; TOPMed below 0.00001; ExAC 0.00001; gnomAD 0.00001.

Submissions (2):

Labcorp Genetics (formerly Invitae), Labcorp
Classification: Uncertain significance for Immunodeficiency. Last evaluated: 2025-03-28. Review status: criteria provided, single submitter. Criteria: Invitae Variant Classification Sherloc (09022015). Collection method: clinical testing. Allele origin: germline.
Comment: This sequence change replaces methionine, which is neutral and non-polar, with valine, which is neutral and non-polar, at codon 1203 of the NFAT5 protein (p.Met1203Val). This variant is present in population databases (rs760054297, gnomAD 0.006%). This variant has not been reported in the literature in individuals affected with NFAT5-related conditions. ClinVar contains an entry for this variant (Variation ID: 1948545). An algorithm developed to predict the effect of missense changes on protein structure and function (PolyPhen-2) suggests that this variant is likely to be tolerated. In summary, the available evidence is currently insufficient to determine the role of this variant in disease. Therefore, it has been classified as a Variant of Uncertain Significance.

Ambry Genetics
Classification: Uncertain significance. Last evaluated: 2022-11-07. Review status: criteria provided, single submitter. Criteria: Ambry Variant Classification Scheme 2023. Collection method: clinical testing. Allele origin: germline.

NM_138713.4(NFAT5):c.3889A>G (p.Met1297Val)

Gene: NFAT5 (nuclear factor of activated T cells 5; plus strand). Cytogenetic location: 16q22.1.
Variant type: single nucleotide variant.
Coding change: c.3889A>G on transcript NM_138713.4 (MANE Select); coding-DNA position 3889, A replaced by G.
Protein change: p.Met1297Val; replaces methionine 1297 with valine.
Molecular consequence: missense variant.
Genome position (GRCh38, 1-based): chr16:69,693,714, A>G. VCF-style: chr16-69693714-A-G. GRCh37 (hg19) VCF-style: chr16-69727617-A-G.
Other names: c.3886A>G, p.Met1296Val (NM_001113178.3); c.3214A>G, p.Met1072Val (NM_001367709.1); c.3835A>G, p.Met1279Val (NM_006599.4); c.3607A>G, p.Met1203Val (NM_138714.4, NM_173214.3, NM_173215.3); short protein forms M1203V, M1296V, M1279V, M1297V, M1072V.
Identifiers: ClinVar variation 1948545 (VCV001948545.6), dbSNP rs760054297, ClinGen allele CA8135975.
Genomic context (GRCh38, chr16:69,693,714, plus strand): 5'-CAACAGCAGCAGCAACAACAACAGAGCATTTTATTCAGTAATCAGAATACCATGGCTACA[A>G]TGGCGTCTCCAAAGCAACCACCACCAAACATGATATTCAACCCAAATCAAAATCCAATGG-3'
Protein context (NP_619727.2, residues 1287-1307): LFSNQNTMAT[Met1297Val]ASPKQPPPNM